The following is an entry in ClinVar:

ClinVar aggregate classification (germline): Conflicting classifications of pathogenicity. Review status: criteria provided, conflicting classifications (1 of 4 stars). 4 submissions from 4 submitters: Uncertain significance (1); Likely benign (2). 1 of the submissions does not count toward it. Last evaluated 2026-01-07.

Conditions:
IFT52-related disorder. Also called: IFT52-related condition.

Allele frequency attached by ClinVar (database versions not stated): gnomAD exomes 0.00008 and 0.00018; ExAC 0.00026; gnomAD 0.00081 and 0.00083; TOPMed 0.00086; 1000 Genomes Project 30x 0.00109; ESP Exome Variant Server 0.00115; 1000 Genomes Project 0.00120.
gnomAD v4.1: 265 of 1,599,180 alleles (0.017%); highest among the groups gnomAD compares: African/African-American, 0.29%; 1 homozygote.

Submissions (4):

Labcorp Genetics (formerly Invitae), Labcorp
Classification: Likely benign. Last evaluated: 2026-01-07. Review status: criteria provided, single submitter. Criteria: Invitae Variant Classification Sherloc (09022015). Collection method: clinical testing. Allele origin: germline.

Blueprint Genetics
Classification: Likely benign. Last evaluated: 2024-10-22. Review status: criteria provided, single submitter. Criteria: ACMG Guidelines, 2015. Collection method: clinical testing. Allele origin: germline.

GeneDx
Classification: Uncertain significance. Last evaluated: 2024-09-26. Review status: criteria provided, single submitter. Criteria: GeneDx Variant Classification Process June 2021. Collection method: clinical testing. Allele origin: germline. Affected: yes.
Comment: Has not been previously published as pathogenic or benign to our knowledge; In silico analysis is inconclusive as to whether the variant alters gene splicing. In the absence of RNA/functional studies, the actual effect of this sequence change is unknown.

PreventionGenetics, part of Exact Sciences
Classification: Likely benign for IFT52-related condition. Last evaluated: 2019-10-28. Review status: no assertion criteria provided. Collection method: clinical testing. Allele origin: germline. Not counted in ClinVar's aggregate classification.
Comment: This variant is classified as likely benign based on ACMG/AMP sequence variant interpretation guidelines (Richards et al. 2015 PMID: 25741868, with internal and published modifications).

NM_016004.5(IFT52):c.338-3T>A

Gene: IFT52 (intraflagellar transport 52; plus strand). Cytogenetic location: 20q13.12.
Variant type: single nucleotide variant.
Coding change: c.338-3T>A on transcript NM_016004.5 (MANE Select); 3 bases into the intron before coding-DNA position 338, T replaced by A.
Molecular consequence: intron variant.
Genome position (GRCh38, 1-based): chr20:43,604,180, T>A. VCF-style: chr20-43604180-T-A. GRCh37 (hg19) VCF-style: chr20-42232820-T-A.
Other names: c.-334-3T>A (NM_001323578.2, NM_001323580.2); c.-427-3T>A (NM_001323579.2, NM_001323581.2); c.338-3T>A (NM_001303458.3, NM_001303459.3, NM_001303458.2).
Identifiers: ClinVar variation 1544660 (VCV001544660.12), dbSNP rs111901323, ClinGen allele CA9866844.